The following is an entry in ClinVar:

NM_000130.5(F5):c.4125C>G (p.Leu1375=)

Gene: F5 (coagulation factor V; minus strand). Cytogenetic location: 1q24.2.
Variant type: single nucleotide variant.
Coding change: c.4125C>G on transcript NM_000130.5 (MANE Select); coding-DNA position 4125, C replaced by G.
Protein change: p.Leu1375=; no amino-acid change (leucine 1375 retained).
Molecular consequence: synonymous variant.
Genome position (GRCh38, 1-based): chr1:169,540,965, G>C on the plus strand (C>G on the coding strand, the complement: F5 is on the minus strand). VCF-style: chr1-169540965-G-C. GRCh37 (hg19) VCF-style: chr1-169510203-G-C.
Identifiers: ClinVar variation 2889541 (VCV002889541.7), dbSNP rs776752266, ClinGen allele CA1233752.

ClinVar aggregate classification (germline): Likely benign. Review status: criteria provided, multiple submitters, no conflicts (2 of 4 stars). 2 submissions from 2 submitters: Likely benign (2). Last evaluated 2026-01-01.

Conditions:
Congenital factor V deficiency. Also called: LABILE FACTOR DEFICIENCY; OWREN PARAHEMOPHILIA; PARAHEMOPHILIA; Hereditary factor V deficiency disease. Identifiers: Orphanet 326, MedGen C0015499, MONDO:0009210, OMIM 227400.

Allele frequency attached by ClinVar (database versions not stated): TOPMed below 0.00001; gnomAD 0.00001; ExAC 0.00003.
gnomAD v4.1: 33 of 1,595,642 alleles (0.0021%); highest among the groups gnomAD compares: South Asian, 0.035%; no homozygotes.

Submissions (2):

CeGaT Center for Human Genetics Tuebingen
Classification: Likely benign. Last evaluated: 2026-01-01. Review status: criteria provided, single submitter. Criteria: CeGaT Center For Human Genetics Tuebingen Variant Classification Criteria Version 2. Collection method: clinical testing. Allele origin: germline. Affected: yes. Observed: 1 variant allele.
Comment: F5: BP4, BP7

Labcorp Genetics (formerly Invitae), Labcorp
Classification: Likely benign for Congenital factor V deficiency. Last evaluated: 2024-07-22. Review status: criteria provided, single submitter. Criteria: Invitae Variant Classification Sherloc (09022015). Collection method: clinical testing. Allele origin: germline.